The following is an entry in ClinVar:

ClinVar aggregate classification (germline): Uncertain significance (1 of 4 stars; one submission).

Submission:

Labcorp Genetics (formerly Invitae), Labcorp
Classification: Uncertain significance. Last evaluated: 2023-11-15. Review status: criteria provided, single submitter. Criteria: Invitae Variant Classification Sherloc (09022015). Collection method: clinical testing. Allele origin: germline.
Comment: This sequence change replaces methionine, which is neutral and non-polar, with isoleucine, which is neutral and non-polar, at codon 502 of the SETBP1 protein (p.Met502Ile). This variant is not present in population databases (gnomAD no frequency). This variant has not been reported in the literature in individuals affected with SETBP1-related conditions. Advanced modeling of protein sequence and biophysical properties (such as structural, functional, and spatial information, amino acid conservation, physicochemical variation, residue mobility, and thermodynamic stability) performed at Invitae indicates that this missense variant is not expected to disrupt SETBP1 protein function with a negative predictive value of 80%. In summary, the available evidence is currently insufficient to determine the role of this variant in disease. Therefore, it has been classified as a Variant of Uncertain Significance.

NM_015559.3(SETBP1):c.1506G>C (p.Met502Ile)

Gene: SETBP1 (SET binding protein 1; plus strand). Cytogenetic location: 18q12.3.
Variant type: single nucleotide variant.
Coding change: c.1506G>C on transcript NM_015559.3 (MANE Select); coding-DNA position 1506, G replaced by C.
Protein change: p.Met502Ile; replaces methionine 502 with isoleucine.
Molecular consequence: missense variant.
Genome position (GRCh38, 1-based): chr18:44,950,846, G>C. VCF-style: chr18-44950846-G-C. GRCh37 (hg19) VCF-style: chr18-42530811-G-C.
Other names: c.1506G>C, p.Met502Ile (NM_001379141.1, NM_001379142.1, NM_001410862.1); short protein forms M502I.
Identifiers: ClinVar variation 2696132 (VCV002696132.3), dbSNP rs140838391, ClinGen allele CA402318666.